The following is an entry in ClinVar:

NM_022041.4(GAN):c.1361delinsAA (p.Leu454fs)

Gene: GAN (gigaxonin; plus strand). Cytogenetic location: 16q23.2.
Variant type: Indel.
Coding change: c.1361delinsAA on transcript NM_022041.4 (MANE Select); coding-DNA position 1361, T replaced by AA.
Protein change: p.Leu454fs; shifts the reading frame from leucine 454.
Molecular consequence: frameshift variant.
Genome position (GRCh38, 1-based): chr16:81,365,098, T replaced by AA. VCF-style: chr16-81365098-T-AA. GRCh37 (hg19) VCF-style: chr16-81398703-T-AA.
Other names: c.722delinsAA, p.Leu241fs (NM_001377486.1); short protein forms L241fs, L454fs.
Identifiers: ClinVar variation 4279051 (VCV004279051.1).
Genomic context (GRCh38, chr16:81,365,098, plus strand): 5'-TTTTTGAGTCTGTAGAGTGTTATGATCCCAGGACCCAGCAGTGGACTGCCATATGTCCAC[T>AA]AAAAGAGAGGAGGTACGTGGCTGTGGGGTGGACTTTGTAGATTCCCTTGCTGTTCACTGG-3'

ClinVar aggregate classification (germline): Pathogenic (1 of 4 stars; one submission).

Conditions:
Giant axonal neuropathy 1 (GAN1). Also called: GIANT AXONAL NEUROPATHY 1, AUTOSOMAL RECESSIVE; GAN-Related Neurodegeneration. Identifiers: Orphanet 643, MedGen C1850386, MONDO:0009749, OMIM 256850.

Submission:

Institute of Immunology and Genetics Kaiserslautern
Classification: Pathogenic for Giant axonal neuropathy 1. Last evaluated: 2025-09-15. Review status: criteria provided, single submitter. Criteria: ACMG Guidelines, 2015. Collection method: clinical testing. Allele origin: biparental.
Comment: ACMG Criteria: PVS1, PM2, PP1, PP4; Variant was found in homozygous state. Biparental allele origin was confirmed via in-house segregation analysis.